The following is an entry in ClinVar:

NM_004341.5(CAD):c.6589T>C (p.Ser2197Pro)

Genes: CAD (carbamoyl-phosphate synthetase 2, aspartate transcarbamylase, and dihydroorotase; plus strand), LOC126806172 (CDK7 strongly-dependent group 2 enhancer GRCh37_chr2:27465505-27466704; plus strand). Cytogenetic location: 2p23.3.
Variant type: single nucleotide variant.
Coding change: c.6589T>C on transcript NM_004341.5 (MANE Select); coding-DNA position 6589, T replaced by C.
Protein change: p.Ser2197Pro; replaces serine 2197 with proline.
Molecular consequence: missense variant.
Genome position (GRCh38, 1-based): chr2:27,243,429, T>C. VCF-style: chr2-27243429-T-C. GRCh37 (hg19) VCF-style: chr2-27466297-T-C.
Other names: c.6400T>C, p.Ser2134Pro (NM_001306079.2); short protein forms S2134P, S2197P.
Identifiers: ClinVar variation 1717550 (VCV001717550.6), dbSNP rs2465374581, ClinGen allele CA346225421.

ClinVar aggregate classification (germline): Uncertain significance (1 of 4 stars; one submission).

Allele frequency attached by ClinVar (database versions not stated): gnomAD exomes below 0.00001.
gnomAD v4.1: 1 of 1,440,584 alleles (0.000069%); highest among the groups gnomAD compares: Non-Finnish European, 0.000096%; no homozygotes.

Submission:

Labcorp Genetics (formerly Invitae), Labcorp
Classification: Uncertain significance. Last evaluated: 2022-08-22. Review status: criteria provided, single submitter. Criteria: Invitae Variant Classification Sherloc (09022015). Collection method: clinical testing. Allele origin: germline.
Comment: In summary, the available evidence is currently insufficient to determine the role of this variant in disease. Therefore, it has been classified as a Variant of Uncertain Significance. Algorithms developed to predict the effect of missense changes on protein structure and function are either unavailable or do not agree on the potential impact of this missense change (SIFT: "Tolerated"; PolyPhen-2: "Possibly Damaging"; Align-GVGD: "Class C0"). This variant has not been reported in the literature in individuals affected with CAD-related conditions. This variant is not present in population databases (gnomAD no frequency). This sequence change replaces serine, which is neutral and polar, with proline, which is neutral and non-polar, at codon 2197 of the CAD protein (p.Ser2197Pro).